The following is an entry in ClinVar:

NM_022835.3(PLEKHG2):c.1552G>A (p.Val518Ile)

Gene: PLEKHG2 (pleckstrin homology and RhoGEF domain containing G2; plus strand). Cytogenetic location: 19q13.2.
Variant type: single nucleotide variant.
Coding change: c.1552G>A on transcript NM_022835.3 (MANE Select); coding-DNA position 1552, G replaced by A.
Protein change: p.Val518Ile; replaces valine 518 with isoleucine.
Molecular consequence: missense variant.
Genome position (GRCh38, 1-based): chr19:39,422,163, G>A. VCF-style: chr19-39422163-G-A. GRCh37 (hg19) VCF-style: chr19-39912803-G-A.
Other names: c.1375G>A, p.Val459Ile (NM_001351693.2); c.1552G>A, p.Val518Ile (NM_001351694.2); short protein forms V459I, V518I.
Identifiers: ClinVar variation 1966828 (VCV001966828.5), dbSNP rs2514453264, ClinGen allele CA405795028.

ClinVar aggregate classification (germline): Uncertain significance (1 of 4 stars; one submission).

Submission:

Labcorp Genetics (formerly Invitae), Labcorp
Classification: Uncertain significance. Last evaluated: 2022-03-20. Review status: criteria provided, single submitter. Criteria: Invitae Variant Classification Sherloc (09022015). Collection method: clinical testing. Allele origin: germline.
Comment: This sequence change replaces valine, which is neutral and non-polar, with isoleucine, which is neutral and non-polar, at codon 518 of the PLEKHG2 protein (p.Val518Ile). This variant is not present in population databases (gnomAD no frequency). This variant has not been reported in the literature in individuals affected with PLEKHG2-related conditions. Algorithms developed to predict the effect of missense changes on protein structure and function (SIFT, PolyPhen-2, Align-GVGD) all suggest that this variant is likely to be tolerated. In summary, the available evidence is currently insufficient to determine the role of this variant in disease. Therefore, it has been classified as a Variant of Uncertain Significance.